The following is an entry in ClinVar:

NM_199420.4(POLQ):c.4892G>T (p.Trp1631Leu)

Gene: POLQ (DNA polymerase theta; minus strand). Cytogenetic location: 3q13.33.
Variant type: single nucleotide variant.
Coding change: c.4892G>T on transcript NM_199420.4 (MANE Select); coding-DNA position 4892, G replaced by T.
Protein change: p.Trp1631Leu; replaces tryptophan 1631 with leucine.
Molecular consequence: missense variant.
Genome position (GRCh38, 1-based): chr3:121,488,039, C>A on the plus strand (G>T on the coding strand, the complement: POLQ is on the minus strand). VCF-style: chr3-121488039-C-A. GRCh37 (hg19) VCF-style: chr3-121206886-C-A.
Other names: short protein forms W1631L.
Identifiers: ClinVar variation 1743869 (VCV001743869.3), dbSNP rs2048028863, ClinGen allele CA354093372.
Genomic context (GRCh38, chr3:121,488,039, plus strand): 5'-CTGGATACTTTATCTAAAATCCTTTGCAGTCCTGGACTTAGATCAAATGATGCCCCTGAC[C>A]ATATGAATGAATGATTTTGCCTGGTCCCAGTTAATTTTGATTTTTCAGCCCTTTCATCTT-3'
Protein context (NP_955452.3, residues 1621-1641): TGTRQNHSFI[Trp1631Leu]SGASFDLSPG

ClinVar aggregate classification (germline): Uncertain significance (1 of 4 stars; one submission).

Allele frequency attached by ClinVar (database versions not stated): gnomAD exomes below 0.00001; TOPMed below 0.00001.
gnomAD v4.1: 2 of 1,613,932 alleles (0.00012%); highest among the groups gnomAD compares: Non-Finnish European, 0.00017%; no homozygotes.

Submission:

Ambry Genetics
Classification: Uncertain significance. Last evaluated: 2024-04-07. Review status: criteria provided, single submitter. Criteria: Ambry Variant Classification Scheme 2023. Collection method: clinical testing. Allele origin: germline.
Comment: The p.W1631L variant (also known as c.4892G>T), located in coding exon 16 of the POLQ gene, results from a G to T substitution at nucleotide position 4892. The tryptophan at codon 1631 is replaced by leucine, an amino acid with similar properties. This amino acid position is conserved. In addition, the in silico prediction for this alteration is inconclusive. Since supporting evidence is limited at this time, the clinical significance of this alteration remains unclear.